The following is an entry in ClinVar:

NM_022455.5(NSD1):c.5191C>G (p.Arg1731Gly)

Gene: NSD1 (nuclear receptor binding SET domain protein 1; plus strand). Cytogenetic location: 5q35.3.
Variant type: single nucleotide variant.
Coding change: c.5191C>G on transcript NM_022455.5 (MANE Select); coding-DNA position 5191, C replaced by G.
Protein change: p.Arg1731Gly; replaces arginine 1731 with glycine.
Molecular consequence: missense variant.
Genome position (GRCh38, 1-based): chr5:177,267,606, C>G. VCF-style: chr5-177267606-C-G. GRCh37 (hg19) VCF-style: chr5-176694607-C-G.
Other names: c.5191C>G, p.Arg1731Gly (NM_001409303.1, NM_001409301.1, NM_001409302.1); c.4771C>G, p.Arg1591Gly (NM_001409304.1); c.4438C>G, p.Arg1480Gly (NM_001409305.1); c.4429C>G, p.Arg1477Gly (NM_001409306.1, NM_001409307.1); c.4318C>G, p.Arg1440Gly (NM_001409308.1, NM_001409309.1, NM_172349.5 and 1 more transcripts); short protein forms R1480G, R1591G, R1731G, R1477G, R1440G.
Identifiers: ClinVar variation 5025871 (VCV005025871.1).

ClinVar aggregate classification (germline): Uncertain significance (1 of 4 stars; one submission).

Conditions:
Inborn genetic diseases. Identifiers: MedGen C0950123, MeSH D030342.

Submission:

Ambry Genetics
Classification: Uncertain significance for Inborn genetic diseases. Last evaluated: 2026-08-03. Review status: criteria provided, single submitter. Criteria: Ambry Variant Classification Scheme 2023. Collection method: clinical testing. Allele origin: germline.
Comment: The c.5191C>G (p.R1731G) alteration is located in exon 15 (coding exon 14) of the NSD1 gene. This alteration results from a C to G substitution at nucleotide position 5191, causing the arginine (R) at amino acid position 1731 to be replaced by a glycine (G). This variant was not reported in population-based cohorts in the Genome Aggregation Database (gnomAD). This amino acid position is highly conserved in available vertebrate species. This missense variant is located in a region that has a low rate of benign missense variation (Lek, 2016; Firth, 2009). The in silico prediction for this alteration is inconclusive. Based on insufficient or conflicting evidence, the clinical significance of this alteration remains unclear.